The following is an entry in ClinVar:

ClinVar aggregate classification (germline): Uncertain significance (1 of 4 stars; one submission).

Submission:

Labcorp Genetics (formerly Invitae), Labcorp
Classification: Uncertain significance. Last evaluated: 2026-01-18. Review status: criteria provided, single submitter. Criteria: Invitae Variant Classification Sherloc (09022015). Collection method: clinical testing. Allele origin: germline.
Comment: This sequence change replaces aspartic acid, which is acidic and polar, with asparagine, which is neutral and polar, at codon 63 of the DVL3 protein (p.Asp63Asn). This variant is not present in population databases (gnomAD no frequency). This variant has not been reported in the literature in individuals affected with DVL3-related conditions. Invitae Evidence Modeling of protein sequence and biophysical properties (such as structural, functional, and spatial information, amino acid conservation, physicochemical variation, residue mobility, and thermodynamic stability) indicates that this missense variant is not expected to disrupt DVL3 protein function with a negative predictive value of 80%. In summary, the available evidence is currently insufficient to determine the role of this variant in disease. Therefore, it has been classified as a Variant of Uncertain Significance.

NM_004423.4(DVL3):c.187G>A (p.Asp63Asn)

Gene: DVL3 (dishevelled segment polarity protein 3; plus strand). Cytogenetic location: 3q27.1.
Variant type: single nucleotide variant.
Coding change: c.187G>A on transcript NM_004423.4 (MANE Select); coding-DNA position 187, G replaced by A.
Protein change: p.Asp63Asn; replaces aspartic acid 63 with asparagine.
Molecular consequence: missense variant.
Genome position (GRCh38, 1-based): chr3:184,163,682, G>A. VCF-style: chr3-184163682-G-A. GRCh37 (hg19) VCF-style: chr3-183881470-G-A.
Other names: short protein forms D63N.
Identifiers: ClinVar variation 4744419 (VCV004744419.1).